The following is an entry in ClinVar:

NM_000260.4(MYO7A):c.1900C>T (p.Arg634Ter)

Gene: MYO7A (myosin VIIA; plus strand). Cytogenetic location: 11q13.5.
Variant type: single nucleotide variant.
Coding change: c.1900C>T on transcript NM_000260.4 (MANE Select); coding-DNA position 1900, C replaced by T.
Protein change: p.Arg634Ter; replaces arginine 634 with a stop codon.
Molecular consequence: nonsense.
Genome position (GRCh38, 1-based): chr11:77,172,850, C>T. VCF-style: chr11-77172850-C-T. GRCh37 (hg19) VCF-style: chr11-76883896-C-T.
Other names: c.1900C>T, p.Arg634Ter (NM_001127180.2); c.1867C>T, p.Arg623Ter (NM_001369365.1); short protein forms R634*, R623*.
Identifiers: ClinVar variation 43164 (VCV000043164.24), dbSNP rs111033180, ClinGen allele CA278635.
Genomic context (GRCh38, chr11:77,172,850, plus strand): 5'-TTCAAGCGGTCACTGGAGCTGCTGATGCGCACGCTGGGTGCCTGCCAGCCCTTCTTTGTG[C>T]GATGCATCAAGCCCAATGAGTTCAAGAAGCCCATGGTGAGTGGCCCTGGCCTGGGGTTGG-3'

ClinVar aggregate classification (germline): Pathogenic/Likely pathogenic. Review status: criteria provided, multiple submitters, no conflicts (2 of 4 stars). 10 submissions from 10 submitters: Pathogenic (8); Likely pathogenic (1). 1 of the submissions does not count toward it. Last evaluated 2025-03-20.

Conditions:
MYO7A-related disorder. Also called: MYO7A-related disorders.
Rare genetic deafness. Identifiers: Orphanet 96210, MedGen C5680250.
Retinal dystrophy. Also called: Inherited retinal dystrophy. Identifiers: Orphanet 71862, MedGen C0854723, MeSH D058499, MONDO:0019118, HP:0000556.
Autosomal recessive nonsyndromic hearing loss 2. Also called: DEAFNESS, AUTOSOMAL RECESSIVE 2; NEUROSENSORY NONSYNDROMIC RECESSIVE DEAFNESS 2. Identifiers: Orphanet 90636, MedGen C1838701, MONDO:0010807, OMIM 600060.
Autosomal dominant nonsyndromic hearing loss 11. Identifiers: Orphanet 90635, MedGen C1832475, MONDO:0011032, OMIM 601317.
Usher syndrome type 1 (USH1). Also called: RETINITIS PIGMENTOSA AND CONGENITAL DEAFNESS. Identifiers: Orphanet 231169, Orphanet 886, MedGen C1568247, MONDO:0010168, OMIM 276900.
Usher syndrome type 1B (USH1B). Also called: Usher syndrome type IB. Identifiers: MedGen C1848638, MONDO:0700087.

Allele frequency attached by ClinVar (database versions not stated): gnomAD 0.00001; TOPMed 0.00001.
gnomAD v4.1: 12 of 1,552,046 alleles (0.00077%); highest among the groups gnomAD compares: South Asian, 0.0012%; no homozygotes.

Submissions (10):

GeneDx
Classification: Pathogenic. Last evaluated: 2025-03-20. Review status: criteria provided, single submitter. Criteria: GeneDx Variant Classification Process June 2021. Collection method: clinical testing. Allele origin: germline. Affected: yes.
Comment: Nonsense variant predicted to result in protein truncation or nonsense mediated decay in a gene for which loss-of-function is a known mechanism of disease; Not observed at significant frequency in large population cohorts (gnomAD); This variant is associated with the following publications: (PMID: 25525159, 9718356, 18564497, 31816670, 32467589, 37446072, 36460718, 19074810, 25575603)

Labcorp Genetics (formerly Invitae), Labcorp
Classification: Pathogenic. Last evaluated: 2025-03-05. Review status: criteria provided, single submitter. Criteria: Invitae Variant Classification Sherloc (09022015). Collection method: clinical testing. Allele origin: germline.
Comment: This sequence change creates a premature translational stop signal (p.Arg634*) in the MYO7A gene. It is expected to result in an absent or disrupted protein product. Loss-of-function variants in MYO7A are known to be pathogenic (PMID: 8900236, 25404053). This variant is not present in population databases (gnomAD no frequency). This premature translational stop signal has been observed in individual(s) with Usher syndrome (PMID: 19074810). ClinVar contains an entry for this variant (Variation ID: 43164). For these reasons, this variant has been classified as Pathogenic.

Centre for Clinical Genetics and Genomic Diagnostics, Zealand University Hospital
Classification: Likely pathogenic. Last evaluated: 2024-06-19. Review status: criteria provided, single submitter. Criteria: ACMG Guidelines, 2015. Collection method: clinical testing. Allele origin: germline. Affected: yes.

Institute of Human Genetics, Univ. Regensburg, Univ. Regensburg
Classification: Pathogenic for Retinal dystrophy. Last evaluated: 2022-01-01. Review status: criteria provided, single submitter. Criteria: ACMG Guidelines, 2015. Collection method: clinical testing. Allele origin: germline. Affected: yes.

Blueprint Genetics
Classification: Pathogenic for MYO7A-related disorders. Last evaluated: 2021-12-20. Review status: criteria provided, single submitter. Criteria: ACMG Guidelines, 2015. Collection method: clinical testing. Allele origin: germline. Affected: yes. Observed: 5 variant alleles.

Fulgent Genetics
Classification: Pathogenic for Usher syndrome type 1; Autosomal recessive nonsyndromic hearing loss 2; Autosomal dominant nonsyndromic hearing loss 11. Last evaluated: 2018-10-31. Review status: criteria provided, single submitter. Criteria: ACMG Guidelines, 2015. Collection method: clinical testing. Allele origin: unknown.

Molecular Diagnostics Laboratory, M Health Fairview: University of Minnesota
Classification: Pathogenic for Usher syndrome type 1. Last evaluated: 2017-02-01. Review status: criteria provided, single submitter. Criteria: ACMG Guidelines, 2015. Collection method: clinical testing. Allele origin: germline. Affected: yes. Observed: 1 variant allele.

Laboratory for Molecular Medicine, Mass General Brigham Personalized Medicine
Classification: Pathogenic for Rare genetic deafness. Last evaluated: 2006-10-28. Review status: criteria provided, single submitter. Criteria: LMM Criteria. Collection method: clinical testing. Allele origin: germline. Observed: 2 variant alleles.

Kasturba Medical College, Manipal, Kasturba Medical College, Manipal, Manipal Academy of Higher Education, Manipal, India
Classification: Pathogenic for Autosomal recessive nonsyndromic hearing loss 2. Review status: criteria provided, single submitter. Criteria: ACMG Guidelines, 2015. Collection method: research. Allele origin: biparental. Inheritance: Autosomal recessive inheritance. Affected: yes. Observed: 1 homozygote.
Comment: This variant is observed in heterozygous state in 12 individuals (allele frequency: 0.000007732) in the gnomAD (v4.1.0) population database and absent in our in-house data of 3596 exomes. This variant is predicted to cause the introduction of a premature termination codon, which may either trigger nonsense-mediated mRNA decay or result in a truncated protein product.

Natera, Inc.
Classification: Pathogenic for Usher syndrome type 1B. Last evaluated: 2020-09-16. Review status: no assertion criteria provided. Collection method: clinical testing. Allele origin: germline. Not counted in ClinVar's aggregate classification.

Literature cited by the submitters: PubMed 8900236 (cited by Labcorp Genetics (formerly Invitae), Labcorp); PubMed 25404053 (cited by Labcorp Genetics (formerly Invitae), Labcorp); PubMed 19074810 (cited by Labcorp Genetics (formerly Invitae), Labcorp and Molecular Diagnostics Laboratory, M Health Fairview: University of Minnesota); PubMed 9718356 (cited by 3 submitters); PubMed 25525159 (cited by Institute of Human Genetics, Univ. Regensburg, Univ. Regensburg); PubMed 32467589 (cited by Institute of Human Genetics, Univ. Regensburg, Univ. Regensburg); PubMed 31816670 (cited by Institute of Human Genetics, Univ. Regensburg, Univ. Regensburg); PubMed 36460718 (cited by Institute of Human Genetics, Univ. Regensburg, Univ. Regensburg); PubMed 18564497 (cited by Kasturba Medical College, Manipal, Kasturba Medical College, Manipal, Manipal Academy of Higher Education, Manipal, India).